The following is an entry in ClinVar:

NM_002582.4(PARN):c.1320G>A (p.Leu440=)

Gene: PARN (poly(A)-specific ribonuclease; minus strand). Cytogenetic location: 16p13.12.
Variant type: single nucleotide variant.
Coding change: c.1320G>A on transcript NM_002582.4 (MANE Select); coding-DNA position 1320, G replaced by A.
Protein change: p.Leu440=; no amino-acid change (leucine 440 retained).
Molecular consequence: synonymous variant.
Genome position (GRCh38, 1-based): chr16:14,554,150, C>T on the plus strand (G>A on the coding strand, the complement: PARN is on the minus strand). VCF-style: chr16-14554150-C-T. GRCh37 (hg19) VCF-style: chr16-14648007-C-T.
Other names: c.1137G>A, p.Leu379= (NM_001134477.3); c.1182G>A, p.Leu394= (NM_001242992.2).
Identifiers: ClinVar variation 1086787 (VCV001086787.34), dbSNP rs376352894, ClinGen allele CA7912060.

ClinVar aggregate classification (germline): Likely benign. Review status: criteria provided, multiple submitters, no conflicts (2 of 4 stars). 3 submissions from 3 submitters: Likely benign (3). Last evaluated 2025-11-19.

Conditions:
Dyskeratosis congenita, autosomal recessive 6 (DKCB6). Identifiers: MedGen C4225356, MONDO:0014600, OMIM 616353.
Pulmonary fibrosis and/or bone marrow failure, Telomere-related, 4. Also called: PULMONARY FIBROSIS AND/OR BONE MARROW FAILURE SYNDROME, TELOMERE-RELATED, 4. Identifiers: Orphanet 2032, MedGen C4225347, MONDO:0014612, OMIM 616371.

Allele frequency attached by ClinVar (database versions not stated): gnomAD 0.00008 and 0.00007; ExAC 0.00011; gnomAD exomes 0.00012 and 0.00006; ESP Exome Variant Server 0.00017; 1000 Genomes Project 0.00040; 1000 Genomes Project 30x 0.00062; TOPMed 0.00004.
gnomAD v4.1: 101 of 1,602,360 alleles (0.0063%); highest among the groups gnomAD compares: South Asian, 0.049%; no homozygotes.

Submissions (3):

Labcorp Genetics (formerly Invitae), Labcorp
Classification: Likely benign for Dyskeratosis congenita, autosomal recessive 6; Pulmonary fibrosis and/or bone marrow failure, Telomere-related, 4. Last evaluated: 2025-11-19. Review status: criteria provided, single submitter. Criteria: Invitae Variant Classification Sherloc (09022015). Collection method: clinical testing. Allele origin: germline.

Blueprint Genetics
Classification: Likely benign. Last evaluated: 2024-10-08. Review status: criteria provided, single submitter. Criteria: ACMG Guidelines, 2015. Collection method: clinical testing. Allele origin: germline.

CeGaT Center for Human Genetics Tuebingen
Classification: Likely benign. Last evaluated: 2023-01-01. Review status: criteria provided, single submitter. Criteria: CeGaT Center For Human Genetics Tuebingen Variant Classification Criteria Version 2. Collection method: clinical testing. Allele origin: germline. Affected: yes. Observed: 1 variant allele.
Comment: PARN: BP4, BP7